The following is an entry in ClinVar:

NM_015214.3(DDHD2):c.1415G>T (p.Ser472Ile)

Gene: DDHD2 (DDHD domain containing 2; plus strand). Cytogenetic location: 8p11.23.
Variant type: single nucleotide variant.
Coding change: c.1415G>T on transcript NM_015214.3 (MANE Select); coding-DNA position 1415, G replaced by T.
Protein change: p.Ser472Ile; replaces serine 472 with isoleucine.
Molecular consequence: missense variant. On other transcripts: non-coding transcript variant (2).
Genome position (GRCh38, 1-based): chr8:38,251,982, G>T. VCF-style: chr8-38251982-G-T. GRCh37 (hg19) VCF-style: chr8-38109500-G-T.
Other names: c.1415G>T, p.Ser472Ile (NM_001164232.2, NM_001362911.2, NM_001362912.2 and 1 more transcripts); c.1325G>T, p.Ser442Ile (NM_001362913.2); c.1415G>T (NM_015214.2); short protein forms S472I, S442I.
Identifiers: ClinVar variation 2198563 (VCV002198563.4), dbSNP rs770759164, ClinGen allele CA175075744.

ClinVar aggregate classification (germline): Uncertain significance. Review status: criteria provided, multiple submitters, no conflicts (2 of 4 stars). 2 submissions from 2 submitters: Uncertain significance (2). Last evaluated 2022-07-04.

Conditions:
Hereditary spastic paraplegia 54. Also called: Spastic paraplegia 54, autosomal recessive. Identifiers: Orphanet 320380, MedGen C3539495, MONDO:0014018, OMIM 615033.
Inborn genetic diseases. Identifiers: MedGen C0950123, MeSH D030342.

Allele frequency attached by ClinVar (database versions not stated): gnomAD exomes 0.00001; gnomAD 0.00002; TOPMed 0.00002.

Submissions (2):

Labcorp Genetics (formerly Invitae), Labcorp
Classification: Uncertain significance for Hereditary spastic paraplegia 54. Last evaluated: 2022-07-04. Review status: criteria provided, single submitter. Criteria: Invitae Variant Classification Sherloc (09022015). Collection method: clinical testing. Allele origin: germline.
Comment: This sequence change replaces serine, which is neutral and polar, with isoleucine, which is neutral and non-polar, at codon 472 of the DDHD2 protein (p.Ser472Ile). In summary, the available evidence is currently insufficient to determine the role of this variant in disease. Therefore, it has been classified as a Variant of Uncertain Significance. Algorithms developed to predict the effect of missense changes on protein structure and function are either unavailable or do not agree on the potential impact of this missense change (SIFT: "Deleterious"; PolyPhen-2: "Benign"; Align-GVGD: "Class C0"). This variant has not been reported in the literature in individuals affected with DDHD2-related conditions. This variant is not present in population databases (gnomAD no frequency).

Ambry Genetics
Classification: Uncertain significance for Inborn genetic diseases. Last evaluated: 2022-01-05. Review status: criteria provided, single submitter. Criteria: Ambry Variant Classification Scheme 2023. Collection method: clinical testing. Allele origin: germline.